The following is an entry in ClinVar:

ClinVar aggregate classification (germline): Conflicting classifications of pathogenicity. Review status: criteria provided, conflicting classifications (1 of 4 stars). 4 submissions from 4 submitters: Uncertain significance (3); Likely benign (1). Last evaluated 2026-03-24.

Conditions:
Obesity due to leptin receptor gene deficiency. Identifiers: Orphanet 179494, MedGen C3554225, MONDO:0013992, OMIM 614963.
LEPR-related disorder. Also called: LEPR-related condition; LEPR-related disorders.
Inborn genetic diseases. Identifiers: MedGen C0950123, MeSH D030342.

Allele frequency attached by ClinVar (database versions not stated): gnomAD exomes 0.00006 and 0.00009; gnomAD 0.00009; TOPMed 0.00009; ExAC 0.00010; ESP Exome Variant Server 0.00015.
gnomAD v4.1: 107 of 1,613,962 alleles (0.0066%); highest among the groups gnomAD compares: Non-Finnish European, 0.006%; no homozygotes.

Submissions (4):

PreventionGenetics, part of Exact Sciences
Classification: Uncertain significance for LEPR-related condition. Last evaluated: 2026-03-24. Review status: criteria provided, single submitter. Criteria: ACMG Guidelines, 2015. Collection method: clinical testing. Allele origin: germline.
Comment: The LEPR c.2171T>C variant is predicted to result in the amino acid substitution p.Val724Ala. This variant was observed in a cohort of individuals with obesity, and in vitro functional studies showed inconclusive evidence of loss of function (Delplanque et al. 2024. PubMed ID: 39561769; Supplemental Data Set, Shah et al. 2023. PubMed ID: 36864747). This variant is reported in 0.13% of alleles in individuals of Ashkenazi Jewish descent in gnomAD, which may be too common to be a primary cause of disease. Although we suspect that this variant may be benign, at this time, the clinical significance of this variant is uncertain due to the absence of conclusive functional and genetic evidence.

Labcorp Genetics (formerly Invitae), Labcorp
Classification: Likely benign. Last evaluated: 2025-12-15. Review status: criteria provided, single submitter. Criteria: Invitae Variant Classification Sherloc (09022015). Collection method: clinical testing. Allele origin: germline.

Ambry Genetics
Classification: Uncertain significance for Inborn genetic diseases. Last evaluated: 2025-12-04. Review status: criteria provided, single submitter. Criteria: Ambry Variant Classification Scheme 2023. Collection method: clinical testing. Allele origin: germline.

Illumina Laboratory Services, Illumina
Classification: Uncertain significance for Obesity due to leptin receptor gene deficiency. Last evaluated: 2018-01-13. Review status: criteria provided, single submitter. Criteria: ICSL Variant Classification Criteria 13 December 2019. Collection method: clinical testing. Allele origin: germline.

NM_002303.6(LEPR):c.2171T>C (p.Val724Ala)

Genes: LEPR (leptin receptor; plus strand), LOC122094844 (Sharpr-MPRA regulatory region 5730; plus strand). Cytogenetic location: 1p31.3.
Variant type: single nucleotide variant.
Coding change: c.2171T>C on transcript NM_002303.6 (MANE Select); coding-DNA position 2171, T replaced by C.
Protein change: p.Val724Ala; replaces valine 724 with alanine.
Molecular consequence: missense variant.
Genome position (GRCh38, 1-based): chr1:65,616,183, T>C. VCF-style: chr1-65616183-T-C. GRCh37 (hg19) VCF-style: chr1-66081866-T-C.
Other names: c.2171T>C, p.Val724Ala (NM_001003679.3, NM_001003680.3, NM_001198687.2 and 2 more transcripts); short protein forms V724A.
Identifiers: ClinVar variation 875881 (VCV000875881.13), dbSNP rs375934938, ClinGen allele CA894961.